The following is an entry in ClinVar:

NM_000079.4(CHRNA1):c.1006T>G (p.Phe336Val)

Gene: CHRNA1 (cholinergic receptor nicotinic alpha 1 subunit; minus strand). Cytogenetic location: 2q31.1.
Variant type: single nucleotide variant.
Coding change: c.1006T>G on transcript NM_000079.4 (MANE Select); coding-DNA position 1006, T replaced by G.
Protein change: p.Phe336Val; replaces phenylalanine 336 with valine.
Molecular consequence: missense variant.
Genome position (GRCh38, 1-based): chr2:174,748,816, A>C on the plus strand (T>G on the coding strand, the complement: CHRNA1 is on the minus strand). VCF-style: chr2-174748816-A-C. GRCh37 (hg19) VCF-style: chr2-175613544-A-C.
Other names: c.1006T>G (NM_000079.3); c.1081T>G, p.Phe361Val (NM_001039523.3); short protein forms F361V, F336V.
Identifiers: ClinVar variation 1412050 (VCV001412050.10), dbSNP rs755304714, ClinGen allele CA1974382.
Genomic context (GRCh38, chr2:174,748,816, plus strand): 5'-TTTCTCTGGATGGTCTTTTCATTGTGGAGAAAAACATGATATTTGGGATAGTGTCGATAA[A>C]AACCTAACATAAAAAAGAAATCCATGCATGAGAATTATTGTCCAGGAGGCAAGCATAAAA-3'
Protein context (NP_000070.1, residues 326-346): HVMPNWVRKV[Phe336Val]IDTIPNIMFF

ClinVar aggregate classification (germline): Uncertain significance. Review status: criteria provided, multiple submitters, no conflicts (2 of 4 stars). 2 submissions from 2 submitters: Uncertain significance (2). Last evaluated 2025-02-10.

Conditions:
Lethal multiple pterygium syndrome (LMPS). Identifiers: Orphanet 33108, MedGen C1854678, MONDO:0009668, OMIM 253290.

Allele frequency attached by ClinVar (database versions not stated): ExAC 0.00001; gnomAD 0.00001.
gnomAD v4.1: 1 of 1,613,944 alleles (0.000062%); highest among the groups gnomAD compares: African/African-American, 0.0013%; no homozygotes.

Submissions (2):

Labcorp Genetics (formerly Invitae), Labcorp
Classification: Uncertain significance for Lethal multiple pterygium syndrome. Last evaluated: 2025-02-10. Review status: criteria provided, single submitter. Criteria: Invitae Variant Classification Sherloc (09022015). Collection method: clinical testing. Allele origin: germline.
Comment: This sequence change replaces phenylalanine, which is neutral and non-polar, with valine, which is neutral and non-polar, at codon 336 of the CHRNA1 protein (p.Phe336Val). This variant is present in population databases (rs755304714, gnomAD 0.0009%). This variant has not been reported in the literature in individuals affected with CHRNA1-related conditions. ClinVar contains an entry for this variant (Variation ID: 1412050). Invitae Evidence Modeling of protein sequence and biophysical properties (such as structural, functional, and spatial information, amino acid conservation, physicochemical variation, residue mobility, and thermodynamic stability) indicates that this missense variant is not expected to disrupt CHRNA1 protein function with a negative predictive value of 80%. In summary, the available evidence is currently insufficient to determine the role of this variant in disease. Therefore, it has been classified as a Variant of Uncertain Significance.

Revvity Omics, Revvity
Classification: Uncertain significance. Last evaluated: 2019-06-11. Review status: criteria provided, single submitter. Criteria: ACMG Guidelines, 2015. Collection method: clinical testing. Allele origin: germline.